The following is an entry in ClinVar:

NM_001377299.1(NDUFS2):c.353G>A (p.Arg118Gln)

Gene: NDUFS2 (NADH:ubiquinone oxidoreductase core subunit S2; plus strand). Cytogenetic location: 1q23.3.
Variant type: single nucleotide variant.
Coding change: c.353G>A on transcript NM_001377299.1 (MANE Select); coding-DNA position 353, G replaced by A.
Protein change: p.Arg118Gln; replaces arginine 118 with glutamine.
Molecular consequence: missense variant. On other transcripts: non-coding transcript variant (1).
Genome position (GRCh38, 1-based): chr1:161,206,557, G>A. VCF-style: chr1-161206557-G-A. GRCh37 (hg19) VCF-style: chr1-161176347-G-A.
Other names: c.353G>A, p.Arg118Gln (NM_001166159.2, NM_001377298.1, NM_001377300.1 and 4 more transcripts); short protein forms R118Q.
Identifiers: ClinVar variation 5005110 (VCV005005110.2).

ClinVar aggregate classification (germline): Likely pathogenic (1 of 4 stars; one submission).

Conditions:
Mitochondrial complex I deficiency, nuclear type 6. Also called: Mitochondrial complex 1 deficiency, nuclear type 6. Identifiers: MedGen C4748759, MONDO:0032611, OMIM 618228.

Submission:

Juno Genomics, Hangzhou Juno Genomics, Inc
Classification: Likely pathogenic for Mitochondrial complex I deficiency, nuclear type 6. Review status: criteria provided, single submitter. Criteria: ACMG Guidelines, 2015. Collection method: clinical testing. Allele origin: germline.
Comment: Absent from controls (or at extremely low frequency if recessive) in Genome Aggregation Database.;Multiple lines of computational evidence support a deleterious effect on the gene or gene product.;Patient's phenotype or family history is highly specific for a disease with a single genetic etiology.